The following is an entry in ClinVar:

ClinVar aggregate classification (germline): Likely pathogenic (0 of 4 stars; one submission).

Conditions:
Long chain 3-hydroxyacyl-CoA dehydrogenase deficiency. Also called: Deficiency of long-chain 3-hydroxyacyl-coenzyme A dehydrogenase; LCHAD Deficiency. Identifiers: Orphanet 5, MedGen C3711645, MONDO:0012173, OMIM 609016.
Mitochondrial trifunctional protein deficiency 1 (MTPD1). Identifiers: MedGen CN376812, MONDO:0958181, OMIM 609015.

Submission:

Department of Genetics, Suzhou Beikang Medical Laboratory
Classification: Likely pathogenic for Long chain 3-hydroxyacyl-CoA dehydrogenase deficiency; Mitochondrial trifunctional protein deficiency 1. Last evaluated: 2024-10-31. Review status: no assertion criteria provided. Collection method: clinical testing. Allele origin: germline. Affected: no.
Comment: In summary, the currently available evidence indicates that the variant is Likely pathogenic, but additional data are needed to prove that conclusively. Therefore, this variant has been classified as Likely Pathogenic. Algorithms developed to predict the effect of sequence changes on RNA splicing suggest that this variant may disrupt the consensus splice site. This variant has not been reported in the literature in individuals affected with HADHA-related conditions. This variant is not present in population databases (ExAC no frequency). This sequence change affects a donor splice site in intron 2 of the HADHA gene. It is expected to disrupt RNA splicing. Variants that disrupt the donor or acceptor splice site typically lead to a loss of protein function (PMID: 16199547), and loss-of-function variants in HADHA are known to be pathogenic (PMID: 21841779, 26827111).

NM_000182.5(HADHA):c.110-1G>A

Gene: HADHA (hydroxyacyl-CoA dehydrogenase trifunctional multienzyme complex subunit alpha; minus strand). Cytogenetic location: 2p23.3.
Variant type: single nucleotide variant.
Coding change: c.110-1G>A on transcript NM_000182.5 (MANE Select); the canonical splice acceptor site of the intron before coding-DNA position 110, G replaced by A.
Molecular consequence: splice acceptor variant.
Genome position (GRCh38, 1-based): chr2:26,239,005, C>T on the plus strand (G>A on the coding strand, the complement: HADHA is on the minus strand). VCF-style: chr2-26239005-C-T. GRCh37 (hg19) VCF-style: chr2-26461873-C-T.
Identifiers: ClinVar variation 3370419 (VCV003370419.1).